The following is an entry in ClinVar:

ClinVar aggregate classification (germline): Uncertain significance (1 of 4 stars; one submission).

Conditions:
Gastrointestinal stromal tumor. Also called: Gastrointestinal stroma tumor; Gastrointestinal stromal tumor, somatic. Identifiers: Orphanet 44890, MedGen C0238198, MeSH D046152, MONDO:0011719, OMIM 606764, HP:0100723.

Allele frequency attached by ClinVar (database versions not stated): gnomAD exomes below 0.00001.
gnomAD v4.1: 3 of 1,614,048 alleles (0.00019%); highest among the groups gnomAD compares: Non-Finnish European, 0.00025%; no homozygotes.

Submission:

Labcorp Genetics (formerly Invitae), Labcorp
Classification: Uncertain significance for Gastrointestinal stromal tumor. Last evaluated: 2022-10-17. Review status: criteria provided, single submitter. Criteria: Invitae Variant Classification Sherloc (09022015). Collection method: clinical testing. Allele origin: germline.
Comment: This variant has not been reported in the literature in individuals affected with PDGFRA-related conditions. In summary, the available evidence is currently insufficient to determine the role of this variant in disease. Therefore, it has been classified as a Variant of Uncertain Significance. Algorithms developed to predict the effect of missense changes on protein structure and function are either unavailable or do not agree on the potential impact of this missense change (SIFT: "Deleterious"; PolyPhen-2: "Probably Damaging"; Align-GVGD: "Class C0"). This variant is not present in population databases (gnomAD no frequency). This sequence change replaces glutamic acid, which is acidic and polar, with valine, which is neutral and non-polar, at codon 1004 of the PDGFRA protein (p.Glu1004Val).

NM_006206.6(PDGFRA):c.3011A>T (p.Glu1004Val)

Gene: PDGFRA (platelet derived growth factor receptor alpha; plus strand). Cytogenetic location: 4q12.
Variant type: single nucleotide variant.
Coding change: c.3011A>T on transcript NM_006206.6 (MANE Select); coding-DNA position 3011, A replaced by T.
Protein change: p.Glu1004Val; replaces glutamic acid 1004 with valine.
Molecular consequence: missense variant.
Genome position (GRCh38, 1-based): chr4:54,290,443, A>T. VCF-style: chr4-54290443-A-T. GRCh37 (hg19) VCF-style: chr4-55156610-A-T.
Other names: c.3086A>T, p.Glu1029Val (NM_001347828.2); c.3011A>T, p.Glu1004Val (NM_001347829.2); c.3050A>T, p.Glu1017Val (NM_001347830.2); short protein forms E1029V, E1004V, E1017V.
Identifiers: ClinVar variation 2002172 (VCV002002172.4), dbSNP rs2475565788, ClinGen allele CA356896187.